The following is an entry in ClinVar:

NM_001114753.3(ENG):c.621C>A (p.Cys207Ter)

Gene: ENG (endoglin; minus strand). Cytogenetic location: 9q34.11.
Variant type: single nucleotide variant.
Coding change: c.621C>A on transcript NM_001114753.3 (MANE Select); coding-DNA position 621, C replaced by A.
Protein change: p.Cys207Ter; replaces cysteine 207 with a stop codon.
Molecular consequence: nonsense.
Genome position (GRCh38, 1-based): chr9:127,825,763, G>T on the plus strand (C>A on the coding strand, the complement: ENG is on the minus strand). VCF-style: chr9-127825763-G-T. GRCh37 (hg19) VCF-style: chr9-130588042-G-T.
Other names: c.621C>A, p.Cys207Ter (NM_000118.4, NM_001406715.1); c.75C>A, p.Cys25Ter (NM_001278138.2); short protein forms C207*, C25*.
Identifiers: ClinVar variation 570772 (VCV000570772.9), dbSNP rs1440769928, ClinGen allele CA374983618.
Genomic context (GRCh38, chr9:127,825,763, plus strand): 5'-GTGGCCCGGCAGGACCCTCAGGATGTGCGCCTCCTTGTGGCCGGCCACGCCTTCCAAGTG[G>T]CAGCCCCGGACCAAGGCTGGAGTACGCGGCCGCCACTCGAGCGTGCGGCCCATGTCCTGG-3'

ClinVar aggregate classification (germline): Pathogenic. Review status: criteria provided, multiple submitters, no conflicts (2 of 4 stars). 2 submissions from 2 submitters: Pathogenic (2). Last evaluated 2026-03-13.

Conditions:
Telangiectasia, hereditary hemorrhagic, type 1 (HHT1). Also called: Osler Weber Rendu syndrome type 1; ENG-Related Hereditary Hemorrhagic Telangiectasia. Identifiers: Orphanet 774, MedGen C4551861, MONDO:0008535, OMIM 187300. Disease mechanism: loss of function.
Hereditary hemorrhagic telangiectasia (HHT). Also called: Osler hemorrhagic telangiectasia syndrome; ORW DISEASE; Osler Weber Rendu syndrome; OSLER-RENDU-WEBER DISEASE. Identifiers: Orphanet 774, MedGen C0039445, MONDO:0019180. Disease mechanism: loss of function.

Submissions (2):

Clinical Genomics Laboratory, Washington University in St. Louis
Classification: Pathogenic for Telangiectasia, hereditary hemorrhagic, type 1. Last evaluated: 2026-03-13. Review status: criteria provided, single submitter. Criteria: ACMG Guidelines, 2015. Collection method: clinical testing. Allele origin: germline. Affected: yes.
Comment: An ENG c.621C>A (p.Cys207*) variant was identified at a heterozygous allelic fraction of 51.4%, a frequency which may be consistent with it being of germline origin. The ENG c.621C>A (p.Cys207*) variant, to our knowledge, has not been reported in the medical literature. However, the same amino acid change (p.Cys207*) due to a different coding syntax (c.619_621delTGC) has been identified in the literature in one individual with Hereditary hemorrhagic telangiectasia (Lesca G et al., PMID: 15024723). This variant has been reported in the ClinVar database as a germline pathogenic variant in by one submitter (Variation ID: 570772). This variant is absent from the general population (gnomAD v4.1.0), indicating it is not a common variant. Loss-of-function variants in ENG are known to be pathogenic (PMID: 15879500). This variant is a nonsense variant, leading to a premature termination codon, which is predicted to lead to nonsense mediated decay. Based on available information and the ACMG/AMP guidelines for variant interpretation (Richards S et al., PMID: 25741868) and ClinGen Hereditary Hemorrhagic Telangiectasia Expert Panel Specifications, this variant is classified as pathogenic.

Labcorp Genetics (formerly Invitae), Labcorp
Classification: Pathogenic for Hereditary hemorrhagic telangiectasia. Last evaluated: 2024-05-12. Review status: criteria provided, single submitter. Criteria: Invitae Variant Classification Sherloc (09022015). Collection method: clinical testing. Allele origin: germline.
Comment: This sequence change creates a premature translational stop signal (p.Cys207*) in the ENG gene. It is expected to result in an absent or disrupted protein product. Loss-of-function variants in ENG are known to be pathogenic (PMID: 15879500). This variant is not present in population databases (gnomAD no frequency). This premature translational stop signal has been observed in individual(s) with hereditary hemorrhagic telangiectasia (Invitae). ClinVar contains an entry for this variant (Variation ID: 570772). For these reasons, this variant has been classified as Pathogenic.

Literature cited by the submitters: PubMed 15879500 (cited by Labcorp Genetics (formerly Invitae), Labcorp).